The following is an entry in ClinVar:

ClinVar aggregate classification (germline): Uncertain significance (1 of 4 stars; one submission).

Allele frequency attached by ClinVar (database versions not stated): gnomAD 0.00001; TOPMed 0.00001.
gnomAD v4.1: 13 of 1,614,074 alleles (0.00081%); highest among the groups gnomAD compares: African/African-American, 0.0013%; no homozygotes.

Submission:

Labcorp Genetics (formerly Invitae), Labcorp
Classification: Uncertain significance. Last evaluated: 2022-04-30. Review status: criteria provided, single submitter. Criteria: Invitae Variant Classification Sherloc (09022015). Collection method: clinical testing. Allele origin: germline.
Comment: In summary, the available evidence is currently insufficient to determine the role of this variant in disease. Therefore, it has been classified as a Variant of Uncertain Significance. Algorithms developed to predict the effect of missense changes on protein structure and function are either unavailable or do not agree on the potential impact of this missense change (SIFT: "Deleterious"; PolyPhen-2: "Probably Damaging"; Align-GVGD: "Class C0"). This variant has not been reported in the literature in individuals affected with WNT7A-related conditions. This variant is not present in population databases (gnomAD no frequency). This sequence change replaces arginine, which is basic and polar, with tryptophan, which is neutral and slightly polar, at codon 49 of the WNT7A protein (p.Arg49Trp).

NM_004625.4(WNT7A):c.145C>T (p.Arg49Trp)

Gene: WNT7A (Wnt family member 7A; minus strand). Cytogenetic location: 3p25.1.
Variant type: single nucleotide variant.
Coding change: c.145C>T on transcript NM_004625.4 (MANE Select); coding-DNA position 145, C replaced by T.
Protein change: p.Arg49Trp; replaces arginine 49 with tryptophan.
Molecular consequence: missense variant.
Genome position (GRCh38, 1-based): chr3:13,875,100, G>A on the plus strand (C>T on the coding strand, the complement: WNT7A is on the minus strand). VCF-style: chr3-13875100-G-A. GRCh37 (hg19) VCF-style: chr3-13916597-G-A.
Other names: short protein forms R49W.
Identifiers: ClinVar variation 1921035 (VCV001921035.5), dbSNP rs1290597204, ClinGen allele CA351620469.